The following is an entry in ClinVar:

ClinVar aggregate classification (germline): Likely benign (1 of 4 stars; one submission).

Conditions:
TNC-related disorder. Also called: TNC-related condition.

gnomAD v4.1: 35 of 1,613,872 alleles (0.0022%); highest among the groups gnomAD compares: South Asian, 0.011%; no homozygotes.

Submission:

PreventionGenetics, part of Exact Sciences
Classification: Likely benign for TNC-related condition. Last evaluated: 2026-05-16. Review status: criteria provided, single submitter. Criteria: ACMG Guidelines, 2015. Collection method: clinical testing. Allele origin: germline.
Comment: This variant is classified as likely benign based on ACMG/AMP sequence variant interpretation guidelines (Richards et al. 2015 PMID: 25741868, with internal and published modifications).

NM_002160.4(TNC):c.3984C>T (p.Gly1328=)

Gene: TNC (tenascin C; minus strand). Cytogenetic location: 9q33.1.
Variant type: single nucleotide variant.
Coding change: c.3984C>T on transcript NM_002160.4 (MANE Select); coding-DNA position 3984, C replaced by T.
Protein change: p.Gly1328=; no amino-acid change (glycine 1328 retained).
Molecular consequence: synonymous variant. On other transcripts: intron variant (21).
Genome position (GRCh38, 1-based): chr9:115,062,966, G>A on the plus strand (C>T on the coding strand, the complement: TNC is on the minus strand). VCF-style: chr9-115062966-G-A. GRCh37 (hg19) VCF-style: chr9-117825245-G-A.
Other names: c.3984C>T, p.Gly1328= (NM_001439065.1, NM_001439066.1, NM_001439067.1 and 14 more transcripts); c.3214+10637C>T (NM_001439099.1, NM_001439096.1, NM_001439100.1 and 1 more transcripts); c.3215-5541C>T (NM_001439098.1, NM_001439094.1, NM_001439090.1); c.3487+1681C>T (NM_001439097.1); c.3760+830C>T (NM_001439093.1, NM_001439087.1, NM_001439083.1 and 10 more transcripts).
Identifiers: ClinVar variation 4984471 (VCV004984471.1).